The following is an entry in ClinVar:

ClinVar aggregate classification (germline): Conflicting classifications of pathogenicity. Review status: criteria provided, conflicting classifications (1 of 4 stars). 11 submissions from 11 submitters: Uncertain significance (1); Benign (2); Likely benign (8). Last evaluated 2026-02-04.

Conditions:
Tuberous sclerosis syndrome (TSC). Also called: Tuberous Sclerosis Complex; Tuberous sclerosis. Identifiers: Orphanet 805, MedGen C0041341, MONDO:0001734.
Hereditary cancer-predisposing syndrome. Also called: Tumor predisposition; Neoplastic Syndromes, Hereditary; Hereditary Cancer Syndrome; Hereditary neoplastic syndrome. Identifiers: Orphanet 140162, MedGen C0027672, MeSH D009386, MONDO:0015356.
Tuberous sclerosis 2 (TSC2). Identifiers: Orphanet 805, MedGen C1860707, MONDO:0013199, OMIM 613254.

Allele frequency attached by ClinVar (database versions not stated): TOPMed 0.00007; ESP Exome Variant Server 0.00008; gnomAD 0.00012; gnomAD exomes 0.00012; ExAC 0.00014.
gnomAD v4.1: 198 of 1,612,574 alleles (0.012%); highest among the groups gnomAD compares: East Asian, 0.047%; no homozygotes.

Submissions (11):

Labcorp Genetics (formerly Invitae), Labcorp
Classification: Benign for Tuberous sclerosis 2. Last evaluated: 2026-02-04. Review status: criteria provided, single submitter. Criteria: Invitae Variant Classification Sherloc (09022015). Collection method: clinical testing. Allele origin: germline.

CeGaT Center for Human Genetics Tuebingen
Classification: Likely benign. Last evaluated: 2025-12-01. Review status: criteria provided, single submitter. Criteria: CeGaT Center For Human Genetics Tuebingen Variant Classification Criteria Version 2. Collection method: clinical testing. Allele origin: germline. Affected: yes. Observed: 5 variant alleles.
Comment: TSC2: BP4

Women's Health and Genetics/Laboratory Corporation of America, LabCorp
Classification: Likely benign. Last evaluated: 2023-11-03. Review status: criteria provided, single submitter. Criteria: LabCorp Variant Classification Summary - May 2015. Collection method: clinical testing. Allele origin: germline.
Comment: Variant summary: TSC2 c.4094C>T (p.Ser1365Leu) results in a non-conservative amino acid change in the encoded protein sequence. Three of five in-silico tools predict a benign effect of the variant on protein function. The variant allele was found at a frequency of 0.00012 in 248362 control chromosomes, predominantly at a frequency of 0.00044 within the East Asian subpopulation in the gnomAD database. c.4094C>T has been reported in the literature in unaffected control individuals (e.g. Bahl_2013), and in at least one individual with autism spectrum disorder (e.g. Lee_2020), or with reported clinical features that include seizures but no tumors (e.g. Ranek_2019), in both phenotypes without evidence of causality. These report(s) do not provide unequivocal conclusions about association of the variant with Tuberous Sclerosis Complex. To our knowledge, no experimental evidence demonstrating an impact on protein function has been reported. The following publications have been ascertained in the context of this evaluation (PMID: 23514105, 32477112, 30700906). Five submitters have cited clinical-significance assessments for this variant to ClinVar after 2014, classifying the variant as likely benign (n=3), benign (n=1), or uncertain significance (n=1). Based on the evidence outlined above, the variant was classified as likely benign.

Myriad Genetics, Inc.
Classification: Benign for Tuberous sclerosis 2. Last evaluated: 2023-10-09. Review status: criteria provided, single submitter. Criteria: Myriad Autosomal Dominant, Autosomal Recessive and X-Linked Classification Criteria (2023). Collection method: clinical testing. Allele origin: unknown.
Comment: This variant is considered benign. This variant has been observed at a population frequency that is significantly greater than expected given the associated disease prevalence and penetrance. Homozygosity has been confirmed in one or more individuals. As homozygosity for pathogenic variants in this gene is generally assumed to result in embryonic lethality, this variant is unlikely to be pathogenic.

Blueprint Genetics
Classification: Likely benign. Last evaluated: 2022-09-07. Review status: criteria provided, single submitter. Criteria: ACMG Guidelines, 2015. Collection method: clinical testing. Allele origin: germline.

Color Diagnostics, LLC DBA Color Health
Classification: Likely benign for Tuberous sclerosis syndrome. Last evaluated: 2022-08-16. Review status: criteria provided, single submitter. Criteria: ACMG Guidelines, 2015. Collection method: clinical testing. Allele origin: germline.

Quest Diagnostics Nichols Institute San Juan Capistrano
Classification: Likely benign. Last evaluated: 2022-02-01. Review status: criteria provided, single submitter. Criteria: Quest Diagnostics criteria. Collection method: clinical testing. Allele origin: unknown.
Comment: The frequency of this variant in the general population is higher than would generally be expected for pathogenic variants in this gene. Computational tools predict this amino acid change may be benign. This variant has been seen where an alternate explanation for disease was also identified.

Genome-Nilou Lab
Classification: Likely benign for Tuberous sclerosis 2. Last evaluated: 2021-11-07. Review status: criteria provided, single submitter. Criteria: ACMG Guidelines, 2015. Collection method: clinical testing. Allele origin: germline. Affected: no.

Institute for Clinical Genetics, University Hospital TU Dresden, University Hospital TU Dresden
Classification: Uncertain significance. Last evaluated: 2021-11-03. Review status: criteria provided, single submitter. Criteria: ACMG Guidelines, 2015. Collection method: clinical testing. Allele origin: germline.

GeneDx
Classification: Likely benign. Last evaluated: 2021-03-01. Review status: criteria provided, single submitter. Criteria: GeneDx Variant Classification Process June 2021. Collection method: clinical testing. Allele origin: germline. Affected: yes.
Comment: This variant is associated with the following publications: (PMID: 25498131, 23514105, 21624971)

Ambry Genetics
Classification: Likely benign for Hereditary cancer-predisposing syndrome. Last evaluated: 2018-09-11. Review status: criteria provided, single submitter. Criteria: Ambry Variant Classification Scheme 2023. Collection method: clinical testing. Allele origin: germline.

Literature cited by the submitters: PubMed 23514105 (cited by Women's Health and Genetics/Laboratory Corporation of America, LabCorp and Ambry Genetics); PubMed 32477112 (cited by Women's Health and Genetics/Laboratory Corporation of America, LabCorp); PubMed 30700906 (cited by Women's Health and Genetics/Laboratory Corporation of America, LabCorp); PubMed 25498131 (cited by Ambry Genetics).

NM_000548.5(TSC2):c.4094C>T (p.Ser1365Leu)

Gene: TSC2 (TSC complex subunit 2; plus strand). Cytogenetic location: 16p13.3.
Variant type: single nucleotide variant.
Coding change: c.4094C>T on transcript NM_000548.5 (MANE Select); coding-DNA position 4094, C replaced by T.
Protein change: p.Ser1365Leu; replaces serine 1365 with leucine.
Molecular consequence: missense variant.
Genome position (GRCh38, 1-based): chr16:2,084,316, C>T. VCF-style: chr16-2084316-C-T. GRCh37 (hg19) VCF-style: chr16-2134317-C-T.
Other names: p.S1365L:TCG>TTG; c.3893C>T, p.Ser1298Leu (NM_001077183.3); c.4025C>T, p.Ser1342Leu (NM_001114382.3); c.3785C>T, p.Ser1262Leu (NM_001318827.2); c.3749C>T, p.Ser1250Leu (NM_001318829.2); c.3362C>T, p.Ser1121Leu (NM_001318831.2); c.3926C>T, p.Ser1309Leu (NM_001318832.2); c.3896C>T, p.Ser1299Leu (NM_001363528.2); and 2 more; short protein forms S1365L, S1262L, S1250L, S1298L, S1322L, S1342L, S1121L, S1299L.
Identifiers: ClinVar variation 207680 (VCV000207680.60), dbSNP rs377123510, ClinGen allele CA050423.